The following is an entry in ClinVar:

ClinVar aggregate classification (germline): Uncertain significance. Review status: criteria provided, multiple submitters, no conflicts (2 of 4 stars). 2 submissions from 2 submitters: Uncertain significance (2). Last evaluated 2026-04-10.

Submissions (2):

GeneDx
Classification: Uncertain significance. Last evaluated: 2026-04-10. Review status: criteria provided, single submitter. Criteria: GeneDx Variant Classification Process June 2021. Collection method: clinical testing. Allele origin: germline.
Comment: Not observed at significant frequency in large population cohorts (gnomAD); In silico analysis supports a deleterious effect on splicing; Has not been previously published as pathogenic or benign to our knowledge

Labcorp Genetics (formerly Invitae), Labcorp
Classification: Uncertain significance. Last evaluated: 2023-05-04. Review status: criteria provided, single submitter. Criteria: Invitae Variant Classification Sherloc (09022015). Collection method: clinical testing. Allele origin: germline.
Comment: This variant has not been reported in the literature in individuals affected with CLTC-related conditions. In summary, the available evidence is currently insufficient to determine the role of this variant in disease. Therefore, it has been classified as a Variant of Uncertain Significance. Algorithms developed to predict the effect of sequence changes on RNA splicing suggest that this variant may disrupt the consensus splice site. This variant is not present in population databases (gnomAD no frequency). This sequence change affects codon 1240 of the CLTC mRNA. It is a 'silent' change, meaning that it does not change the encoded amino acid sequence of the CLTC protein.

NM_004859.4(CLTC):c.3708A>G (p.Glu1236=)

Gene: CLTC (clathrin heavy chain; plus strand). Cytogenetic location: 17q23.1.
Variant type: single nucleotide variant.
Coding change: c.3708A>G on transcript NM_004859.4 (MANE Select); coding-DNA position 3708, A replaced by G.
Protein change: p.Glu1236=; no amino-acid change (glutamic acid 1236 retained).
Molecular consequence: synonymous variant.
Genome position (GRCh38, 1-based): chr17:59,682,736, A>G. VCF-style: chr17-59682736-A-G. GRCh37 (hg19) VCF-style: chr17-57760097-A-G.
Other names: c.3720A>G, p.Glu1240= (NM_001288653.2); c.3720A>G (NM_001288653.1).
Identifiers: ClinVar variation 2861949 (VCV002861949.4), dbSNP rs2509153580, ClinGen allele CA501331228.